The following is an entry in ClinVar:

ClinVar aggregate classification (germline): Uncertain significance (1 of 4 stars; one submission).

Conditions:
RIPOR2-related disorder. Also called: RIPOR2-related condition.

Submission:

PreventionGenetics, part of Exact Sciences
Classification: Uncertain significance for RIPOR2-related condition. Last evaluated: 2025-08-08. Review status: criteria provided, single submitter. Criteria: ACMG Guidelines, 2015. Collection method: clinical testing. Allele origin: germline.
Comment: The RIPOR2 c.253C>T variant is predicted to result in the amino acid substitution p.Leu85Phe. To our knowledge, this variant has not been reported in the literature. This variant is reported in 0.0018% of alleles in individuals of European (Non-Finnish) descent in gnomAD. At this time, the clinical significance of this variant is uncertain due to the absence of conclusive functional and genetic evidence.

NM_001286445.3(RIPOR2):c.340C>T (p.Leu114Phe)

Gene: RIPOR2 (RHO family interacting cell polarization regulator 2; minus strand). Cytogenetic location: 6p22.3.
Variant type: single nucleotide variant.
Coding change: c.340C>T on transcript NM_001286445.3 (MANE Select); coding-DNA position 340, C replaced by T.
Protein change: p.Leu114Phe; replaces leucine 114 with phenylalanine.
Molecular consequence: missense variant.
Genome position (GRCh38, 1-based): chr6:24,873,648, G>A on the plus strand (C>T on the coding strand, the complement: RIPOR2 is on the minus strand). VCF-style: chr6-24873648-G-A. GRCh37 (hg19) VCF-style: chr6-24873876-G-A.
Other names: c.355C>T, p.Leu119Phe (NM_001286446.3); c.253C>T, p.Leu85Phe (NM_001286447.2, NM_001346031.2, NM_001346032.2 and 2 more transcripts); short protein forms L114F, L119F, L85F.
Identifiers: ClinVar variation 4978849 (VCV004978849.1).